The following is an entry in ClinVar:

ClinVar aggregate classification (germline): Uncertain significance (1 of 4 stars; one submission).

Conditions:
Baller-Gerold syndrome (BGS). Also called: CRANIOSYNOSTOSIS WITH RADIAL DEFECTS. Identifiers: Orphanet 1225, MedGen C0265308, MONDO:0009039, OMIM 218600.

Submission:

Labcorp Genetics (formerly Invitae), Labcorp
Classification: Uncertain significance for Baller-Gerold syndrome. Last evaluated: 2021-05-11. Review status: criteria provided, single submitter. Criteria: Invitae Variant Classification Sherloc (09022015). Collection method: clinical testing. Allele origin: germline.
Comment: Experimental studies and prediction algorithms are not available or were not evaluated, and the functional significance of this variant is currently unknown. In summary, the available evidence is currently insufficient to determine the role of this variant in disease. Therefore, it has been classified as a Variant of Uncertain Significance. This variant has not been reported in the literature in individuals with RECQL4-related conditions. This variant is not present in population databases (ExAC no frequency). This sequence change replaces glutamic acid with aspartic acid at codon 936 of the RECQL4 protein (p.Glu936Asp). The glutamic acid residue is moderately conserved and there is a small physicochemical difference between glutamic acid and aspartic acid.

NM_004260.4(RECQL4):c.2808G>C (p.Glu936Asp)

Gene: RECQL4 (RecQ like helicase 4; minus strand). Cytogenetic location: 8q24.3.
Variant type: single nucleotide variant.
Coding change: c.2808G>C on transcript NM_004260.4 (MANE Select); coding-DNA position 2808, G replaced by C.
Protein change: p.Glu936Asp; replaces glutamic acid 936 with aspartic acid.
Molecular consequence: missense variant.
Genome position (GRCh38, 1-based): chr8:144,512,719, C>G on the plus strand (G>C on the coding strand, the complement: RECQL4 is on the minus strand). VCF-style: chr8-144512719-C-G. GRCh37 (hg19) VCF-style: chr8-145738102-C-G.
Other names: short protein forms E936D.
Identifiers: ClinVar variation 1352984 (VCV001352984.6), dbSNP rs1442521340, ClinGen allele CA372674322.